The following is an entry in ClinVar:

ClinVar aggregate classification (germline): Uncertain significance. Review status: criteria provided, multiple submitters, no conflicts (2 of 4 stars). 6 submissions from 6 submitters: Uncertain significance (6). Last evaluated 2025-09-23.

Conditions:
Hereditary cancer-predisposing syndrome. Also called: Tumor predisposition; Neoplastic Syndromes, Hereditary; Hereditary Cancer Syndrome; Hereditary neoplastic syndrome. Identifiers: Orphanet 140162, MedGen C0027672, MeSH D009386, MONDO:0015356.
Ataxia-telangiectasia syndrome (AT). Also called: Ataxia-telangiectasia; Ataxia-telangiectasia, complementation group D; AT, COMPLEMENTATION GROUP C; LOUIS-BAR SYNDROME; Cerebello-oculocutaneous telangiectasia; Immunodeficiency with ataxia telangiectasia. Identifiers: Orphanet 100, MedGen C0004135, MONDO:0008840, OMIM 208900.

Allele frequency attached by ClinVar (database versions not stated): gnomAD exomes below 0.00001.
gnomAD v4.1: 2 of 1,613,584 alleles (0.00012%); highest among the groups gnomAD compares: South Asian, 0.0011%; no homozygotes.

Submissions (6):

Mayo Clinic Laboratories, Mayo Clinic
Classification: Uncertain significance. Last evaluated: 2025-09-23. Review status: criteria provided, single submitter. Criteria: ACMG Guidelines, 2015. Collection method: clinical testing. Allele origin: germline. Observed: 1 variant allele.
Comment: BP4, PM2_supporting

Clinical Genomics Laboratory, Washington University in St. Louis
Classification: Uncertain significance for Ataxia-telangiectasia syndrome. Last evaluated: 2025-08-01. Review status: criteria provided, single submitter. Criteria: ACMG Guidelines, 2015. Collection method: clinical testing. Allele origin: germline.
Comment: The ATM c.244G>A (p.Val82Ile) variant has not been reported in the medical literature to our knowledge. This variant is only observed on 1/250,856 total alleles in the general population (gnomAD v.2.1.1), indicating it is not a common variant. Computational predictors indicate that the variant does not impact ATM protein function. This variant has been submitted to ClinVar as a variant of uncertain significance by three laboratories (variation ID: 489527). Due to limited information, and based on ACMG/AMP guidelines for variant interpretation (Richards S et al., PMID: 25741868), the clinical significance of this variant is uncertain at this time.

Ambry Genetics
Classification: Uncertain significance for Hereditary cancer-predisposing syndrome. Last evaluated: 2025-06-19. Review status: criteria provided, single submitter. Criteria: Ambry Variant Classification Scheme 2023. Collection method: clinical testing. Allele origin: germline.
Comment: The p.V82I variant (also known as c.244G>A), located in coding exon 3 of the ATM gene, results from a G to A substitution at nucleotide position 244. The valine at codon 82 is replaced by isoleucine, an amino acid with highly similar properties. This amino acid position is well conserved in available vertebrate species. In addition, this alteration is predicted to be tolerated by in silico analysis. Since supporting evidence is limited at this time, the clinical significance of this alteration remains unclear.

Labcorp Genetics (formerly Invitae), Labcorp
Classification: Uncertain significance for Ataxia-telangiectasia syndrome. Last evaluated: 2022-08-23. Review status: criteria provided, single submitter. Criteria: Invitae Variant Classification Sherloc (09022015). Collection method: clinical testing. Allele origin: germline.
Comment: This variant has not been reported in the literature in individuals affected with ATM-related conditions. ClinVar contains an entry for this variant (Variation ID: 489527). Advanced modeling of protein sequence and biophysical properties (such as structural, functional, and spatial information, amino acid conservation, physicochemical variation, residue mobility, and thermodynamic stability) performed at Invitae indicates that this missense variant is not expected to disrupt ATM protein function. In summary, the available evidence is currently insufficient to determine the role of this variant in disease. Therefore, it has been classified as a Variant of Uncertain Significance. This variant is present in population databases (no rsID available, gnomAD 0.003%). This sequence change replaces valine, which is neutral and non-polar, with isoleucine, which is neutral and non-polar, at codon 82 of the ATM protein (p.Val82Ile).

Color Diagnostics, LLC DBA Color Health
Classification: Uncertain significance for Hereditary cancer-predisposing syndrome. Last evaluated: 2018-09-11. Review status: criteria provided, single submitter. Criteria: ACMG Guidelines, 2015. Collection method: clinical testing. Allele origin: germline.

ARUP Laboratories, Molecular Genetics and Genomics, ARUP Laboratories
Classification: Uncertain significance. Review status: criteria provided, single submitter. Criteria: ARUP Molecular Germline Variant Investigation Process 2024. Collection method: clinical testing. Allele origin: germline.

NM_000051.4(ATM):c.244G>A (p.Val82Ile)

Gene: ATM (ATM serine/threonine kinase; plus strand). Cytogenetic location: 11q22.3.
Variant type: single nucleotide variant.
Coding change: c.244G>A on transcript NM_000051.4 (MANE Select); coding-DNA position 244, G replaced by A.
Protein change: p.Val82Ile; replaces valine 82 with isoleucine.
Molecular consequence: missense variant.
Genome position (GRCh38, 1-based): chr11:108,229,236, G>A. VCF-style: chr11-108229236-G-A. GRCh37 (hg19) VCF-style: chr11-108099963-G-A.
Other names: p.Val82Ile; c.244G>A, p.Val82Ile (NM_001351834.2, NM_001351835.2, NM_001351836.2); short protein forms V82I.
Identifiers: ClinVar variation 489527 (VCV000489527.19), dbSNP rs1412024666, ClinGen allele CA382521536.